The following is an entry in ClinVar:

NM_003000.3(SDHB):c.21C>G (p.Leu7=)

Gene: SDHB (succinate dehydrogenase complex iron sulfur subunit B; minus strand). Cytogenetic location: 1p36.13.
Variant type: single nucleotide variant.
Coding change: c.21C>G on transcript NM_003000.3 (MANE Select); coding-DNA position 21, C replaced by G.
Protein change: p.Leu7=; no amino-acid change (leucine 7 retained).
Molecular consequence: synonymous variant.
Genome position (GRCh38, 1-based): chr1:17,053,999, G>C on the plus strand (C>G on the coding strand, the complement: SDHB is on the minus strand). VCF-style: chr1-17053999-G-C. GRCh37 (hg19) VCF-style: chr1-17380494-G-C.
Identifiers: ClinVar variation 486425 (VCV000486425.16), dbSNP rs147815442, ClinGen allele CA089545.
Genomic context (GRCh38, chr1:17,053,999, plus strand): 5'-AGGACTCACCTGCAGGCAGGCTCCGCCAAGGGTTGTGGCCGGCAACCGGCGCCTCAAGGA[G>C]AGGGCGACCACCGCCGCCATCTTGGCTCCTGACGTCAGCCCCACCCCTTAACCCCGAGGT-3'
Protein context (NP_002991.2, residues 1-17): MAAVVA[Leu7=]SLRRRLPATT

ClinVar aggregate classification (germline): Conflicting classifications of pathogenicity. Review status: criteria provided, conflicting classifications (1 of 4 stars). 3 submissions from 3 submitters: Uncertain significance (1); Likely benign (2). Last evaluated 2025-06-22.

Conditions:
Hereditary cancer-predisposing syndrome. Also called: Tumor predisposition; Hereditary neoplastic syndrome; Hereditary Cancer Syndrome; Neoplastic Syndromes, Hereditary. Identifiers: Orphanet 140162, MedGen C0027672, MeSH D009386, MONDO:0015356.
Pheochromocytoma/paraganglioma syndrome 4. Also called: SDHB-Related Hereditary Paraganglioma-Pheochromocytoma Syndrome (Paragangliomas 4); PARAGANGLIOMA, FAMILIAL MALIGNANT; PARAGANGLIOMAS, HEREDITARY EXTRAADRENAL; PHEOCHROMOCYTOMA, FAMILIAL EXTRAADRENAL; Paragangliomas 4; CAROTID BODY TUMORS AND MULTIPLE EXTRAADRENAL PHEOCHROMOCYTOMAS. Identifiers: Orphanet 29072, MedGen C1861848, MONDO:0007273, OMIM 115310.
Gastrointestinal stromal tumor. Also called: Gastrointestinal stroma tumor; Gastrointestinal stromal tumor, somatic. Identifiers: Orphanet 44890, MedGen C0238198, MeSH D046152, MONDO:0011719, OMIM 606764, HP:0100723.
Pheochromocytoma. Also called: MAX-Related Hereditary Paraganglioma-Pheochromocytoma Syndrome. Identifiers: Orphanet 29072, MedGen C0031511, MONDO:0008233, OMIM 171300, HP:0002666.

gnomAD v4.1: 3 of 1,612,596 alleles (0.00019%); highest among the groups gnomAD compares: Middle Eastern, 0.017%; no homozygotes.

Submissions (3):

Labcorp Genetics (formerly Invitae), Labcorp
Classification: Likely benign for Gastrointestinal stromal tumor; Pheochromocytoma/paraganglioma syndrome 4; Pheochromocytoma. Last evaluated: 2025-06-22. Review status: criteria provided, single submitter. Criteria: Invitae Variant Classification Sherloc (09022015). Collection method: clinical testing. Allele origin: germline.

GeneDx
Classification: Uncertain significance. Last evaluated: 2023-10-16. Review status: criteria provided, single submitter. Criteria: GeneDx Variant Classification Process June 2021. Collection method: clinical testing. Allele origin: germline. Affected: yes.
Comment: Not observed at significant frequency in large population cohorts (gnomAD); In silico analysis supports that this variant does not alter splicing; Has not been previously published as pathogenic or benign to our knowledge; This variant is associated with the following publications: (PMID: 12362046)

Ambry Genetics
Classification: Likely benign for Hereditary cancer-predisposing syndrome. Last evaluated: 2016-04-11. Review status: criteria provided, single submitter. Criteria: Ambry Variant Classification Scheme 2023. Collection method: clinical testing. Allele origin: germline.